The following is an entry in ClinVar:

ClinVar aggregate classification (germline): Conflicting classifications of pathogenicity. Review status: criteria provided, conflicting classifications (1 of 4 stars). 2 submissions from 2 submitters: Likely pathogenic (1); Uncertain significance (1). Last evaluated 2022-03-07.

Conditions:
Muscular dystrophy-dystroglycanopathy (congenital with brain and eye anomalies), type A14. Also called: Congenital Muscular Dystrophy-Dystroglycanopathy with Brain and Eye Anomalies Type A 14; Congenital muscular dystrophy-dystroglycanopathy with brain and eye anomalies, type A14; Muscular dystrophy-dystroglycanopathy (congenital with brain and eye anomalies), type a, 14; WALKER-WARBURG SYNDROME OR MUSCLE-EYE-BRAIN DISEASE, GMPPB-RELATED. Identifiers: Orphanet 588, MedGen C3809216, MONDO:0014140, OMIM 615350.
Muscular dystrophy-dystroglycanopathy (congenital with impaired intellectual development), type B, 14. Also called: Congenital muscular dystrophy-dystroglycanopathy with mental retardation, type B14; MUSCULAR DYSTROPHY, CONGENITAL, GMPPB-RELATED; Muscular dystrophy-dystroglycanopathy (congenital with intellectual disability), type B14. Identifiers: MedGen C3809221, MONDO:0014141, OMIM 615351.
Autosomal recessive limb-girdle muscular dystrophy type 2T. Also called: Limb-girdle muscular dystrophy-dystroglycanopathy, type C14; MUSCULAR DYSTROPHY-DYSTROGLYCANOPATHY, LIMB-GIRDLE, GMPPB-RELATED; MUSCULAR DYSTROPHY, LIMB-GIRDLE, TYPE 2T; Muscular dystrophy-dystroglycanopathy (limb-girdle), type c, 14. Identifiers: Orphanet 363623, MedGen C4518000, MONDO:0014142, OMIM 615352.

Submissions (2):

GeneDx
Classification: Likely pathogenic. Last evaluated: 2022-03-07. Review status: criteria provided, single submitter. Criteria: GeneDx Variant Classification Process June 2021. Collection method: clinical testing. Allele origin: germline. Affected: yes.
Comment: Identified as a single heterozygous variant in an individual with congenital muscular dystrophy, cerebellar hypoplasia, and elevated creatine kinase in the published literature (Jensen et al., 2015); Not observed at significant frequency in large population cohorts (gnomAD); In silico analysis supports that this missense variant has a deleterious effect on protein structure/function; This variant is associated with the following publications: (PMID: 30827497, 26310427)

Labcorp Genetics (formerly Invitae), Labcorp
Classification: Uncertain significance for Muscular dystrophy-dystroglycanopathy (limb-girdle), type c, 14; Muscular dystrophy-dystroglycanopathy (congenital with brain and eye anomalies), type a, 14; Muscular dystrophy-dystroglycanopathy (congenital with mental retardation), type b, 14. Last evaluated: 2018-10-04. Review status: criteria provided, single submitter. Criteria: Invitae Variant Classification Sherloc (09022015). Collection method: clinical testing. Allele origin: germline.
Comment: This sequence change replaces proline with serine at codon 32 of the GMPPB protein (p.Pro32Ser). The proline residue is highly conserved and there is a moderate physicochemical difference between proline and serine. This variant is not present in population databases (ExAC no frequency). This variant has been observed in an individual affected with congenital muscular dystrophy with cerebellar involvement (PMID: 26310427). Algorithms developed to predict the effect of missense changes on protein structure and function are either unavailable or do not agree on the potential impact of this missense change (SIFT: "Deleterious"; PolyPhen-2: "Probably Damaging"; Align-GVGD: "Class C0"). This variant disrupts the p.Pro32 amino acid residue in GMPPB. Other variant(s) that disrupt this residue have been observed in affected individuals (PMID: 28554332, 23768512), suggesting that it is a clinically significant residue. As a result, variants that disrupt this residue are likely to be causative of disease. In summary, the available evidence is currently insufficient to determine the role of this variant in disease. Therefore, it has been classified as a Variant of Uncertain Significance.

Literature cited by the submitters: PubMed 28554332 (cited by Labcorp Genetics (formerly Invitae), Labcorp); PubMed 23768512 (cited by Labcorp Genetics (formerly Invitae), Labcorp); PubMed 26310427 (cited by Labcorp Genetics (formerly Invitae), Labcorp).

NM_021971.4(GMPPB):c.94C>T (p.Pro32Ser)

Gene: GMPPB (GDP-mannose pyrophosphorylase B; minus strand). Cytogenetic location: 3p21.31.
Variant type: single nucleotide variant.
Coding change: c.94C>T on transcript NM_021971.4 (MANE Select); coding-DNA position 94, C replaced by T.
Protein change: p.Pro32Ser; replaces proline 32 with serine.
Molecular consequence: missense variant.
Genome position (GRCh38, 1-based): chr3:49,723,633, G>A on the plus strand (C>T on the coding strand, the complement: GMPPB is on the minus strand). VCF-style: chr3-49723633-G-A. GRCh37 (hg19) VCF-style: chr3-49761066-G-A.
Other names: c.94C>T, p.Pro32Ser (NM_013334.4); short protein forms P32S.
Identifiers: ClinVar variation 654897 (VCV000654897.3), dbSNP rs1575297292, ClinGen allele CA352831442.